The following is an entry in ClinVar:

NM_005708.5(GPC6):c.192T>C (p.Tyr64=)

Gene: GPC6 (glypican 6; plus strand). Cytogenetic location: 13q31.3.
Variant type: single nucleotide variant.
Coding change: c.192T>C on transcript NM_005708.5 (MANE Select); coding-DNA position 192, T replaced by C.
Protein change: p.Tyr64=; no amino-acid change (tyrosine 64 retained).
Molecular consequence: synonymous variant.
Genome position (GRCh38, 1-based): chr13:93,545,294, T>C. VCF-style: chr13-93545294-T-C. GRCh37 (hg19) VCF-style: chr13-94197547-T-C.
Other names: c.192T>C (NM_005708.4).
Identifiers: ClinVar variation 1529590 (VCV001529590.10), dbSNP rs775977695, ClinGen allele CA7016805.

ClinVar aggregate classification (germline): Likely benign. Review status: criteria provided, single submitter (1 of 4 stars). 2 submissions from 2 submitters: Likely benign (1). 1 of the submissions does not count toward it. Last evaluated 2021-07-22.

Conditions:
GPC6-related disorder. Also called: GPC6-related condition.

Allele frequency attached by ClinVar (database versions not stated): ExAC 0.00001; gnomAD exomes 0.00001.
gnomAD v4.1: 6 of 1,613,648 alleles (0.00037%); highest among the groups gnomAD compares: Middle Eastern, 0.017%; no homozygotes.

Submissions (2):

Labcorp Genetics (formerly Invitae), Labcorp
Classification: Likely benign. Last evaluated: 2021-07-22. Review status: criteria provided, single submitter. Criteria: Invitae Variant Classification Sherloc (09022015). Collection method: clinical testing. Allele origin: germline.

PreventionGenetics, part of Exact Sciences
Classification: Likely benign for GPC6-related condition. Last evaluated: 2019-06-05. Review status: no assertion criteria provided. Collection method: clinical testing. Allele origin: germline. Not counted in ClinVar's aggregate classification.
Comment: This variant is classified as likely benign based on ACMG/AMP sequence variant interpretation guidelines (Richards et al. 2015 PMID: 25741868, with internal and published modifications).